The following is an entry in ClinVar:

NM_000601.6(HGF):c.389T>C (p.Ile130Thr)

Gene: HGF (hepatocyte growth factor; minus strand). Cytogenetic location: 7q21.11.
Variant type: single nucleotide variant.
Coding change: c.389T>C on transcript NM_000601.6 (MANE Select); coding-DNA position 389, T replaced by C.
Protein change: p.Ile130Thr; replaces isoleucine 130 with threonine.
Molecular consequence: missense variant.
Genome position (GRCh38, 1-based): chr7:81,757,282, A>G on the plus strand (T>C on the coding strand, the complement: HGF is on the minus strand). VCF-style: chr7-81757282-A-G. GRCh37 (hg19) VCF-style: chr7-81386598-A-G.
Other names: c.389T>C, p.Ile130Thr (NM_001010931.3, NM_001010932.3, NM_001010933.3 and 1 more transcripts); short protein forms I130T.
Identifiers: ClinVar variation 1497794 (VCV001497794.6), dbSNP rs141389863, ClinGen allele CA4317214.
Genomic context (GRCh38, chr7:81,757,282, plus strand): 5'-TGACATTTGATGCCACTCTTAGTGATAGATACTGTTCCCTTGTAGCTGCGTCCTTTACCA[A>G]TGATGCAGTTTCTAATGTAGTCTATTGAAGAAAGTAGATAAAATTATTGCAACTATGCAA-3'
Protein context (NP_000592.3, residues 120-140): ENKDYIRNCI[Ile130Thr]GKGRSYKGTV

ClinVar aggregate classification (germline): Uncertain significance (1 of 4 stars; one submission).

Allele frequency attached by ClinVar (database versions not stated): gnomAD exomes 0.00001 and 0.00004; ExAC 0.00005; gnomAD 0.00011; TOPMed 0.00011; 1000 Genomes Project 30x 0.00016; 1000 Genomes Project 0.00020.
gnomAD v4.1: 32 of 1,589,034 alleles (0.002%); highest among the groups gnomAD compares: African/African-American, 0.027%; no homozygotes.

Submission:

Labcorp Genetics (formerly Invitae), Labcorp
Classification: Uncertain significance. Last evaluated: 2024-12-03. Review status: criteria provided, single submitter. Criteria: Invitae Variant Classification Sherloc (09022015). Collection method: clinical testing. Allele origin: germline.
Comment: This sequence change replaces isoleucine, which is neutral and non-polar, with threonine, which is neutral and polar, at codon 130 of the HGF protein (p.Ile130Thr). This variant is present in population databases (rs141389863, gnomAD 0.04%). This variant has not been reported in the literature in individuals affected with HGF-related conditions. ClinVar contains an entry for this variant (Variation ID: 1497794). An algorithm developed to predict the effect of missense changes on protein structure and function (PolyPhen-2) suggests that this variant is likely to be tolerated. In summary, the available evidence is currently insufficient to determine the role of this variant in disease. Therefore, it has been classified as a Variant of Uncertain Significance.